The following is an entry in ClinVar:

NM_000136.3(FANCC):c.356_360del (p.Ser119fs)

Gene: FANCC (FA complementation group C; minus strand). Cytogenetic location: 9q22.32.
Variant type: Deletion.
Coding change: c.356_360del on transcript NM_000136.3 (MANE Select); coding-DNA positions 356 to 360, 5 bases deleted (CTCAT; older notation c.356_360delCTCAT).
Protein change: p.Ser119fs; shifts the reading frame from serine 119.
Molecular consequence: frameshift variant.
Genome position (GRCh38, 1-based): chr9:95,172,133-95,172,137, ATGAG deleted on the plus strand (CTCAT on the coding strand, the reverse complement: FANCC is on the minus strand); deleting any 5 consecutive bases within chr9:95,172,133-95,172,139 gives the same sequence; the c. name uses the placement nearest the transcript's 3' end. VCF-style (leftmost placement, unchanged base first): chr9-95172132-TATGAG-T. GRCh37 (hg19) VCF-style: chr9-97934414-TATGAG-T.
Other names: c.356_360del (NM_000136.2); c.356_360del, p.Ser119fs (NM_001243743.2, NM_001243744.2); short protein forms S119fs.
Identifiers: ClinVar variation 417933 (VCV000417933.43), dbSNP rs1060499606, ClinGen allele CA16616912.

ClinVar aggregate classification (germline): Pathogenic. Review status: criteria provided, single submitter (1 of 4 stars). 3 submissions from 3 submitters: Pathogenic (1). 2 of the submissions do not count toward it. Last evaluated 2018-03-01.

Conditions:
Fanconi anemia complementation group C (FANCC). Also called: FANCC-Related Fanconi Anemia; Fanconi anemia, group C; FANCONI PANCYTOPENIA, TYPE 3; FACC. Identifiers: Orphanet 84, MedGen C3468041, MONDO:0009213, OMIM 227645.

Submissions (3):

CeGaT Center for Human Genetics Tuebingen
Classification: Pathogenic. Last evaluated: 2018-03-01. Review status: criteria provided, single submitter. Criteria: CeGaT Center For Human Genetics Tuebingen Variant Classification Criteria Version 2. Collection method: clinical testing. Allele origin: germline. Affected: yes. Observed: 1 variant allele.

Leiden Open Variation Database
Classification: Pathogenic for Fanconi anemia complementation group C. Last evaluated: 2020-02-28. Review status: no assertion criteria provided. Collection method: curation. Allele origin: germline. Affected: yes. Not counted in ClinVar's aggregate classification.
Comment: Curator: Arleen D. Auerbach. Submitter to LOVD: Johan de Winter.

Division of Human Genetics, Children's Hospital of Philadelphia
Classification: Likely pathogenic for Fanconi anemia complementation group C. Last evaluated: 2016-03-16. Review status: no assertion criteria provided. Collection method: research. Allele origin: germline. Study: CSER-PediSeq. Not counted in ClinVar's aggregate classification.

Literature cited by the submitters: PubMed 17924555 (cited by Leiden Open Variation Database).